The following is an entry in ClinVar:

NM_005219.5(DIAPH1):c.2525A>G (p.Gln842Arg)

Gene: DIAPH1 (diaphanous related formin 1; minus strand). Cytogenetic location: 5q31.3.
Variant type: single nucleotide variant.
Coding change: c.2525A>G on transcript NM_005219.5 (MANE Select); coding-DNA position 2525, A replaced by G.
Protein change: p.Gln842Arg; replaces glutamine 842 with arginine.
Molecular consequence: missense variant.
Genome position (GRCh38, 1-based): chr5:141,534,391, T>C on the plus strand (A>G on the coding strand, the complement: DIAPH1 is on the minus strand). VCF-style: chr5-141534391-T-C. GRCh37 (hg19) VCF-style: chr5-140913958-T-C.
Other names: c.2498A>G, p.Gln833Arg (NM_001079812.3); c.2525A>G, p.Gln842Arg (NM_001314007.2); short protein forms Q842R, Q833R.
Identifiers: ClinVar variation 178991 (VCV000178991.6), dbSNP rs200220260, ClinGen allele CA183448.

ClinVar aggregate classification (germline): Uncertain significance. Review status: criteria provided, multiple submitters, no conflicts (2 of 4 stars). 2 submissions from 2 submitters: Uncertain significance (2). Last evaluated 2024-05-16.

Conditions:
Autosomal dominant nonsyndromic hearing loss 1. Also called: KONIGSMARK SYNDROME; DEAFNESS, AUTOSOMAL DOMINANT 1, WITH OR WITHOUT THROMBOCYTOPENIA. Identifiers: Orphanet 90635, MedGen C1852282, MONDO:0007424, OMIM 124900.
Progressive microcephaly-seizures-cortical blindness-developmental delay syndrome. Also called: Seizures, cortical blindness, and microcephaly syndrome. Identifiers: Orphanet 477814, MedGen C5567650, MONDO:0014714, OMIM 616632.

Submissions (2):

Labcorp Genetics (formerly Invitae), Labcorp
Classification: Uncertain significance for Progressive microcephaly-seizures-cortical blindness-developmental delay syndrome; Autosomal dominant nonsyndromic hearing loss 1. Last evaluated: 2024-05-16. Review status: criteria provided, single submitter. Criteria: Invitae Variant Classification Sherloc (09022015). Collection method: clinical testing. Allele origin: germline.
Comment: This sequence change replaces glutamine, which is neutral and polar, with arginine, which is basic and polar, at codon 842 of the DIAPH1 protein (p.Gln842Arg). This variant is not present in population databases (gnomAD no frequency). This variant has not been reported in the literature in individuals affected with DIAPH1-related conditions. ClinVar contains an entry for this variant (Variation ID: 178991). An algorithm developed to predict the effect of missense changes on protein structure and function (PolyPhen-2) suggests that this variant is likely to be disruptive. In summary, the available evidence is currently insufficient to determine the role of this variant in disease. Therefore, it has been classified as a Variant of Uncertain Significance.

Laboratory for Molecular Medicine, Mass General Brigham Personalized Medicine
Classification: Uncertain significance. Last evaluated: 2013-06-11. Review status: criteria provided, single submitter. Criteria: LMM Criteria. Collection method: clinical testing. Allele origin: germline. Observed: 1 variant allele.
Comment: The Gln842Arg variant in DIAPH1 has not been reported in individuals with hearin g loss or in large population studies. Computational analyses (biochemical amino acid properties, conservation, AlignGVGD, PolyPhen2, and SIFT) do not provide s trong support for or against an impact to the protein. In summary, additional in formation is needed to fully assess the clinical significance of this variant.